The following is an entry in ClinVar:

ClinVar aggregate classification (germline): Pathogenic/Likely pathogenic. Review status: criteria provided, multiple submitters, no conflicts (2 of 4 stars). 9 submissions from 9 submitters: Pathogenic (3); Likely pathogenic (5). 1 of the submissions does not count toward it. Last evaluated 2026-03-05.

Conditions:
Hyperkalemic periodic paralysis. Also called: Familial hyperkalemic periodic paralysis; Gamstorp disease. Identifiers: Orphanet 682, MedGen C0238357, MONDO:0008224, OMIM 170500, HP:0007215.
Congenital myasthenic syndrome 16. Identifiers: Orphanet 590, MedGen C3280112, MONDO:0013620, OMIM 614198.
Paramyotonia congenita of Von Eulenburg. Also called: Myotonia congenita intermittens; Von Eulenburg paramyotonia congenita; Paramyotonia Congenita; PARALYSIS PERIODICA PARAMYOTONICA; Eulenburg disease. Identifiers: Orphanet 684, MedGen C0221055, MONDO:0008195, OMIM 168300. Disease mechanism: loss of function.
Congenital myopathy 22A, classic (CMYO22A). Identifiers: MedGen C5830453, MONDO:0957247, OMIM 620351.
Congenital myopathy 22B, severe fetal (CMYO22B). Identifiers: MedGen C5830501, MONDO:0957265, OMIM 620369.
Hypokalemic periodic paralysis, type 2 (HOKPP2). Identifiers: Orphanet 681, MedGen C2750061, MONDO:0013234, OMIM 613345.
Potassium-aggravated myotonia. Also called: Myotonia congenita, atypical, acetazolamide-responsive; MYOTONIA CONGENITA, ACETAZOLAMIDE-RESPONSIVE; MYOTONIA CONGENITA, ATYPICAL; SODIUM CHANNEL MUSCLE DISEASE. Identifiers: Orphanet 612, Orphanet 99734, Orphanet 99735, Orphanet 99736, MedGen C2931826, MONDO:0018959, OMIM 608390.
Inborn genetic diseases. Identifiers: MedGen C0950123, MeSH D030342.
SCN4A-related disorder. Also called: SCN4A-related disorders.

Submissions (9):

PreventionGenetics, part of Exact Sciences
Classification: Likely pathogenic for SCN4A-related condition. Last evaluated: 2026-03-05. Review status: criteria provided, single submitter. Criteria: ACMG Guidelines, 2015. Collection method: clinical testing. Allele origin: germline.
Comment: The SCN4A c.1173delC variant is predicted to result in a frameshift and premature protein termination (p.Phe392Serfs*12). To our knowledge, this variant has not been reported in the literature or in a large population database (gnomAD), indicating this variant is rare. Frameshift variants in SCN4A are expected to be pathogenic for autosomal recessive SCN4A-related disorders. This variant is interpreted as likely pathogenic for autosomal recessive SCN4A-related disorders.

GeneDx
Classification: Likely pathogenic. Last evaluated: 2026-01-21. Review status: criteria provided, single submitter. Criteria: GeneDx Variant Classification Process June 2021. Collection method: clinical testing. Allele origin: germline.
Comment: Frameshift variant predicted to result in protein truncation or nonsense mediated decay in a gene for which loss of function is a known mechanism of disease; Not observed at significant frequency in large population cohorts (gnomAD); Has not been previously published as pathogenic or benign in association with an SCN4A-related disorder to our knowledge; This variant is associated with the following publications: (PMID: 26700687, 39096151)

Labcorp Genetics (formerly Invitae), Labcorp
Classification: Pathogenic for Hyperkalemic periodic paralysis. Last evaluated: 2025-07-02. Review status: criteria provided, single submitter. Criteria: Invitae Variant Classification Sherloc (09022015). Collection method: clinical testing. Allele origin: germline.
Comment: This sequence change creates a premature translational stop signal (p.Phe392Serfs*12) in the SCN4A gene. It is expected to result in an absent or disrupted protein product. Loss-of-function variants in SCN4A are known to be pathogenic (PMID: 26700687). This variant is not present in population databases (gnomAD no frequency). This variant has not been reported in the literature in individuals affected with SCN4A-related conditions. ClinVar contains an entry for this variant (Variation ID: 591772). For these reasons, this variant has been classified as Pathogenic.

Women's Health and Genetics/Laboratory Corporation of America, LabCorp
Classification: Pathogenic for Congenital myopathy 22A, classic. Last evaluated: 2024-09-23. Review status: criteria provided, single submitter. Criteria: LabCorp Variant Classification Summary - May 2015. Collection method: clinical testing. Allele origin: germline.
Comment: Variant summary: SCN4A c.1173delC (p.Phe392SerfsX12) results in a premature termination codon, predicted to cause a truncation of the encoded protein or absence of the protein due to nonsense mediated decay, which are commonly known mechanisms for disease. The variant was absent in 221764 control chromosomes. To our knowledge, no occurrence of c.1173delC in individuals affected with Congenital Myopathy 22A, Classic and no experimental evidence demonstrating its impact on protein function have been reported. ClinVar contains an entry for this variant (Variation ID: 591772). Based on the evidence outlined above, the variant was classified as pathogenic.

Fulgent Genetics
Classification: Likely pathogenic for Paramyotonia congenita of Von Eulenburg; Hyperkalemic periodic paralysis; Potassium-aggravated myotonia; Hypokalemic periodic paralysis, type 2; Congenital myasthenic syndrome 16; Congenital myopathy 22A, classic; Congenital myopathy 22B, severe fetal. Last evaluated: 2024-04-08. Review status: criteria provided, single submitter. Criteria: ACMG Guidelines, 2015. Collection method: clinical testing. Allele origin: germline.

Revvity Omics, Revvity
Classification: Likely pathogenic. Last evaluated: 2022-11-10. Review status: criteria provided, single submitter. Criteria: ACMG Guidelines, 2015. Collection method: clinical testing. Allele origin: germline.

Athena Diagnostics
Classification: Likely pathogenic. Last evaluated: 2019-12-31. Review status: criteria provided, single submitter. Criteria: Athena Diagnostics Criteria. Collection method: clinical testing. Allele origin: unknown.
Comment: The variant results in a shift of the reading frame, and is therefore predicted to result in the loss of a functional protein. Not found in the total gnomAD dataset, and the data is high quality.

Ambry Genetics
Classification: Pathogenic for Inborn genetic diseases. Last evaluated: 2018-06-29. Review status: criteria provided, single submitter. Criteria: Ambry exome assertion method (8-5-2015). Collection method: clinical testing. Allele origin: germline. Affected: yes. Observed: 1 variant allele.

Gharavi Laboratory, Columbia University
Classification: Uncertain significance. Last evaluated: 2018-09-16. Review status: no assertion criteria provided. Criteria: ACMG Guidelines, 2015. Collection method: research. Allele origin: germline. Affected: yes. Not counted in ClinVar's aggregate classification.

Literature cited by the submitters: PubMed 26700687 (cited by Labcorp Genetics (formerly Invitae), Labcorp).

NM_000334.4(SCN4A):c.1173del (p.Phe392fs)

Gene: SCN4A (sodium voltage-gated channel alpha subunit 4; minus strand). Cytogenetic location: 17q23.3.
Variant type: Deletion.
Coding change: c.1173del on transcript NM_000334.4 (MANE Select); coding-DNA position 1173, one base deleted (C; older notation c.1173delC).
Protein change: p.Phe392fs; shifts the reading frame from phenylalanine 392.
Molecular consequence: frameshift variant.
Genome position (GRCh38, 1-based): chr17:63,966,171, G deleted on the plus strand (C on the coding strand, the reverse complement: SCN4A is on the minus strand); the first of 2 consecutive G bases (chr17:63,966,171-63,966,172); deleting either gives the same sequence. VCF-style (leftmost placement, unchanged base first): chr17-63966170-AG-A. GRCh37 (hg19) VCF-style: chr17-62043530-AG-A.
Other names: c.1173delC (NM_000334.4); short protein forms F392fs.
Identifiers: ClinVar variation 591772 (VCV000591772.19), dbSNP rs1235665641, ClinGen allele CA501226472.